The following is an entry in ClinVar:

NM_145269.5(CIBAR1):c.478C>T (p.Arg160Ter)

Gene: CIBAR1 (CBY1 interacting BAR domain containing 1; plus strand). Cytogenetic location: 8q22.1.
Variant type: single nucleotide variant.
Coding change: c.478C>T on transcript NM_145269.5 (MANE Select); coding-DNA position 478, C replaced by T.
Protein change: p.Arg160Ter; replaces arginine 160 with a stop codon.
Molecular consequence: nonsense. On other transcripts: non-coding transcript variant (5).
Genome position (GRCh38, 1-based): chr8:93,709,810, C>T. VCF-style: chr8-93709810-C-T. GRCh37 (hg19) VCF-style: chr8-94722038-C-T.
Other names: CIBAR1, ARG160TER (rs368652620); c.478C>T, p.Arg160Ter (NM_001283034.2); short protein forms R160*.
Identifiers: ClinVar variation 592165 (VCV000592165.7), dbSNP rs368652620, ClinGen allele CA4806665.

ClinVar aggregate classification (germline): Pathogenic. Review status: criteria provided, multiple submitters, no conflicts (2 of 4 stars). 5 submissions from 5 submitters: Pathogenic (3). 2 of the submissions do not count toward it. Last evaluated 2025-09-08.

Conditions:
Polydactyly, postaxial, type A9. Identifiers: MedGen C4748721, MONDO:0032603, OMIM 618219.
Postaxial polydactyly type A. Also called: Nonsyndromic Postaxial Polydactyly Type A. Identifiers: Orphanet 93334, MedGen C3887487, MONDO:0019673, HP:0005696.

Allele frequency attached by ClinVar (database versions not stated): TOPMed below 0.00001; gnomAD 0.00001; ESP Exome Variant Server 0.00008.
gnomAD v4.1: 13 of 1,612,954 alleles (0.00081%); highest among the groups gnomAD compares: South Asian, 0.0022%; no homozygotes.

Submissions (5):

First Genomix Gene Laboratory, Genetic Diagnostics Department
Classification: Pathogenic for Polydactyly, postaxial, type A9. Last evaluated: 2025-09-08. Review status: criteria provided, single submitter. Criteria: ACMG Guidelines, 2015. Collection method: clinical testing. Allele origin: germline. Inheritance: Autosomal recessive inheritance. Affected: no. Observed: 1 variant allele.

Genomic Medicine Center of Excellence, King Faisal Specialist Hospital and Research Centre
Classification: Pathogenic for Polydactyly, postaxial, type A9. Last evaluated: 2024-12-18. Review status: criteria provided, single submitter. Criteria: ACMG Guidelines, 2015. Collection method: clinical testing. Allele origin: germline.

Institute of Human Genetics, University of Leipzig Medical Center
Classification: Pathogenic for Polydactyly, postaxial, type A9. Last evaluated: 2023-04-20. Review status: criteria provided, single submitter. Criteria: ACMG Guidelines, 2015. Collection method: clinical testing. Allele origin: unknown. Affected: yes.
Comment: This variant was identified as homozygous._x000D_ Criteria applied: PVS1, PM3, PM2_SUP

OMIM
Classification: Pathogenic for POLYDACTYLY, POSTAXIAL, TYPE A9 (1 family). Last evaluated: 2024-07-12. Review status: no assertion criteria provided. Collection method: literature only. Allele origin: germline. Not counted in ClinVar's aggregate classification.

University of Washington Center for Mendelian Genomics, University of Washington
Classification: Likely pathogenic for Nonsyndromic Postaxial Polydactyly Type A. Review status: no assertion criteria provided. Collection method: research. Allele origin: inherited. Affected: yes. Not counted in ClinVar's aggregate classification.

Literature cited by the submitters: PubMed 30395363 (cited by OMIM and University of Washington Center for Mendelian Genomics, University of Washington).